The following is an entry in ClinVar:

ClinVar aggregate classification (germline): Uncertain significance. Review status: criteria provided, multiple submitters, no conflicts (2 of 4 stars). 2 submissions from 2 submitters: Uncertain significance (2). Last evaluated 2025-03-04.

Conditions:
Familial cancer of breast. Also called: Hereditary breast cancer; hereditary breast carcinoma; BREAST CANCER, FAMILIAL. Identifiers: Orphanet 227535, MedGen C0346153, MONDO:0016419, OMIM 114480. Disease mechanism: loss of function.

Submissions (2):

Center for Genomic Medicine, Rigshospitalet, Copenhagen University Hospital
Classification: Uncertain significance. Last evaluated: 2025-03-04. Review status: criteria provided, single submitter. Criteria: ACMG Guidelines, 2015. Collection method: clinical testing. Allele origin: germline.

Labcorp Genetics (formerly Invitae), Labcorp
Classification: Uncertain significance for Familial cancer of breast. Last evaluated: 2023-07-17. Review status: criteria provided, single submitter. Criteria: Invitae Variant Classification Sherloc (09022015). Collection method: clinical testing. Allele origin: germline.
Comment: In summary, the available evidence is currently insufficient to determine the role of this variant in disease. Therefore, it has been classified as a Variant of Uncertain Significance. An algorithm developed to predict the effect of missense changes on protein structure and function (PolyPhen-2) suggests that this variant is likely to be disruptive. ClinVar contains an entry for this variant (Variation ID: 840136). This variant has not been reported in the literature in individuals affected with CHEK2-related conditions. This variant is not present in population databases (gnomAD no frequency). This sequence change replaces lysine, which is basic and polar, with glutamic acid, which is acidic and polar, at codon 235 of the CHEK2 protein (p.Lys235Glu).

NM_007194.4(CHEK2):c.703A>G (p.Lys235Glu)

Gene: CHEK2 (checkpoint kinase 2; minus strand). Cytogenetic location: 22q12.1.
Variant type: single nucleotide variant.
Coding change: c.703A>G on transcript NM_007194.4 (MANE Select); coding-DNA position 703, A replaced by G.
Protein change: p.Lys235Glu; replaces lysine 235 with glutamic acid.
Molecular consequence: missense variant.
Genome position (GRCh38, 1-based): chr22:28,711,998, T>C on the plus strand (A>G on the coding strand, the complement: CHEK2 is on the minus strand). VCF-style: chr22-28711998-T-C. GRCh37 (hg19) VCF-style: chr22-29107986-T-C.
Other names: c.832A>G, p.Lys278Glu (NM_001005735.3); c.40A>G, p.Lys14Glu (NM_001257387.3); c.502A>G, p.Lys168Glu (NM_001349956.3); c.703A>G, p.Lys235Glu (NM_145862.3); short protein forms K168E, K278E, K14E, K235E.
Identifiers: ClinVar variation 840136 (VCV000840136.11), dbSNP rs780245843, ClinGen allele CA411103442.